The following is an entry in ClinVar:

ClinVar aggregate classification (germline): Uncertain significance. Review status: criteria provided, multiple submitters, no conflicts (2 of 4 stars). 3 submissions from 3 submitters: Uncertain significance (3). Last evaluated 2025-05-09.

Conditions:
Cardiovascular phenotype. Identifiers: MedGen CN230736.

Allele frequency attached by ClinVar (database versions not stated): ExAC 0.00001; gnomAD exomes 0.00002 and 0.00003; TOPMed 0.00005; gnomAD 0.00006 and 0.00007; 1000 Genomes Project 30x 0.00021; 1000 Genomes Project 0.00026.
gnomAD v4.1: 32 of 1,210,160 alleles (0.0026%); highest among the groups gnomAD compares: Admixed American, 0.0044%; no homozygotes.

Submissions (3):

Labcorp Genetics (formerly Invitae), Labcorp
Classification: Uncertain significance. Last evaluated: 2025-05-09. Review status: criteria provided, single submitter. Criteria: Invitae Variant Classification Sherloc (09022015). Collection method: clinical testing. Allele origin: germline.
Comment: This sequence change replaces threonine, which is neutral and polar, with isoleucine, which is neutral and non-polar, at codon 56 of the BGN protein (p.Thr56Ile). This variant is present in population databases (rs199564098, gnomAD 0.004%). This variant has not been reported in the literature in individuals affected with BGN-related conditions. ClinVar contains an entry for this variant (Variation ID: 1443583). An algorithm developed to predict the effect of missense changes on protein structure and function (PolyPhen-2) suggests that this variant is likely to be tolerated. In summary, the available evidence is currently insufficient to determine the role of this variant in disease. Therefore, it has been classified as a Variant of Uncertain Significance.

Ambry Genetics
Classification: Uncertain significance for Cardiovascular phenotype. Last evaluated: 2025-02-01. Review status: criteria provided, single submitter. Criteria: Ambry Variant Classification Scheme 2023. Collection method: clinical testing. Allele origin: germline.
Comment: The p.T56I variant (also known as c.167C>T), located in coding exon 1 of the BGN gene, results from a C to T substitution at nucleotide position 167. The threonine at codon 56 is replaced by isoleucine, an amino acid with similar properties. This amino acid position is conserved. In addition, this alteration is predicted to be tolerated by in silico analysis. Since supporting evidence is limited at this time, the clinical significance of this alteration remains unclear.

ARUP Laboratories, Molecular Genetics and Genomics, ARUP Laboratories
Classification: Uncertain significance. Last evaluated: 2023-06-20. Review status: criteria provided, single submitter. Criteria: ARUP Molecular Germline Variant Investigation Process 2024. Collection method: clinical testing. Allele origin: germline.
Comment: The BGN c.167C>T; p.Thr56Ile variant (rs199564098), to our knowledge, is not reported in the medical literature but is reported in ClinVar (Variation ID: 1443583). This variant is observed in the general population with an overall allele frequency of 0.002% (5/204424 alleles, including 2 hemizygotes) in the Genome Aggregation Database. Computational analyses are uncertain whether this variant is neutral or deleterious (REVEL: 0.151). Due to limited information, the clinical significance of this variant is uncertain at this time.

NM_001711.6(BGN):c.167C>T (p.Thr56Ile)

Gene: BGN (biglycan; plus strand). Cytogenetic location: Xq28.
Variant type: single nucleotide variant.
Coding change: c.167C>T on transcript NM_001711.6 (MANE Select); coding-DNA position 167, C replaced by T.
Protein change: p.Thr56Ile; replaces threonine 56 with isoleucine.
Molecular consequence: missense variant.
Genome position (GRCh38, 1-based): chrX:153,504,798, C>T. VCF-style: chrX-153504798-C-T. GRCh37 (hg19) VCF-style: chrX-152770256-C-T.
Other names: short protein forms T56I.
Identifiers: ClinVar variation 1443583 (VCV001443583.11), dbSNP rs199564098, ClinGen allele CA10547139.